The following is an entry in ClinVar:

NG_008481.4:g.80993_92693delins86116_86422inv

Gene: APC (APC regulator of Wnt signaling pathway; plus strand). Cytogenetic location: 5q22.2.
Variant type: Indel.
Other names: c.422+1123_532-577delins423-1933_423-1687inv (NM_000038.6).
Identifiers: ClinVar variation 988590 (VCV000988590.3).

ClinVar aggregate classification (germline): Pathogenic (1 of 4 stars; one submission).

Conditions:
Familial adenomatous polyposis 1 (FAP1). Also called: FAMILIAL ADENOMATOUS POLYPOSIS 1, ATTENUATED; POLYPOSIS, ADENOMATOUS INTESTINAL. Identifiers: MedGen C2713442, MONDO:0021056, OMIM 175100. Disease mechanism: loss of function.

Submission:

Laboratorio de Investigacion Basica Clinica, Universidad Autonoma de Nuevo Leon
Classification: Pathogenic for Familial adenomatous polyposis 1. Review status: criteria provided, single submitter. Criteria: ACMG Guidelines, 2015. Collection method: clinical testing. Allele origin: germline. Inheritance: Autosomal dominant inheritance. Affected: yes. Observed: 5 heterozygotes, 1 compound heterozygote. Clinical features observed: Adenomatous colonic polyposis (HP:0005227), ovarian cancer, Hepatomegaly (HP:0002240), Intermittent diarrhea (HP:0002254), Protuberant abdomen (HP:0001538), Short stature (HP:0004322), Decreased muscle mass (HP:0003199).
Comment: novel variant